The following is an entry in ClinVar:

NM_001042492.3(NF1):c.6944T>G (p.Leu2315Arg)

Gene: NF1 (neurofibromin 1; plus strand). Cytogenetic location: 17q11.2.
Variant type: single nucleotide variant.
Coding change: c.6944T>G on transcript NM_001042492.3 (MANE Select); coding-DNA position 6944, T replaced by G.
Protein change: p.Leu2315Arg; replaces leucine 2315 with arginine.
Molecular consequence: missense variant.
Genome position (GRCh38, 1-based): chr17:31,340,527, T>G. VCF-style: chr17-31340527-T-G. GRCh37 (hg19) VCF-style: chr17-29667545-T-G.
Other names: c.6881T>G, p.Leu2294Arg (NM_000267.4); short protein forms L2294R, L2315R.
Identifiers: ClinVar variation 1066466 (VCV001066466.5), dbSNP rs2151561538, ClinGen allele CA399014889.

ClinVar aggregate classification (germline): Likely pathogenic (1 of 4 stars; one submission).

Conditions:
Neurofibromatosis, type 1 (NF1). Also called: VON RECKLINGHAUSEN DISEASE; Peripheral type neurofibromatosis; NEUROFIBROMATOSIS, TYPE I, SOMATIC; Neurofibromatosis, type I. Identifiers: Orphanet 636, MedGen C0027831, MONDO:0018975, OMIM 162200. Disease mechanism: loss of function.

Submission:

Labcorp Genetics (formerly Invitae), Labcorp
Classification: Likely pathogenic for Neurofibromatosis, type 1. Last evaluated: 2021-02-26. Review status: criteria provided, single submitter. Criteria: Invitae Variant Classification Sherloc (09022015). Collection method: clinical testing. Allele origin: germline.
Comment: In summary, the currently available evidence indicates that the variant is pathogenic, but additional data are needed to prove that conclusively. Therefore, this variant has been classified as Likely Pathogenic. Advanced modeling of protein sequence and biophysical properties (such as structural, functional, and spatial information, amino acid conservation, physicochemical variation, residue mobility, and thermodynamic stability) performed at Invitae indicates that this missense variant is expected to disrupt NF1 protein function. This sequence change replaces leucine with arginine at codon 2294 of the NF1 protein (p.Leu2294Arg). The leucine residue is highly conserved and there is a moderate physicochemical difference between leucine and arginine. This variant is not present in population databases (ExAC no frequency). This variant has been observed in individual(s) with neurofibromatosis type 1 (PMID: 23175693).

Literature cited by the submitters: PubMed 23175693.